The following is an entry in ClinVar:

ClinVar aggregate classification (germline): Likely pathogenic (1 of 4 stars; one submission).

Submission:

Labcorp Genetics (formerly Invitae), Labcorp
Classification: Likely pathogenic. Last evaluated: 2023-03-09. Review status: criteria provided, single submitter. Criteria: Invitae Variant Classification Sherloc (09022015). Collection method: clinical testing. Allele origin: unknown.
Comment: This variant results in a copy number gain of the genomic region encompassing exon(s) 13-21 of the COL4A1 gene. While the exact position of this variant cannot be determined from the data, sub-genic copy number gains are generally in tandem (PMID: 25640679). This variant is predicted to be out-of-frame, and may result in an absent or disrupted protein product. Loss-of-function variants in COL4A1 are known to be pathogenic (PMID: 23225343). In summary, the currently available evidence indicates that the variant is pathogenic, but additional data are needed to prove that conclusively. Therefore, this variant has been classified as Likely Pathogenic. A similar copy number variant has been observed in individual(s) with autosomal dominant COL4A1-related condition (Invitae).

Literature cited by the submitters: PubMed 25640679; PubMed 23225343.

NC_000013.10:g.(?_110850794)_(110859856_?)dup

Gene: COL4A1 (collagen type IV alpha 1 chain; minus strand). Cytogenetic location: 13q34.
Variant type: Duplication.
Identifiers: ClinVar variation 3244209 (VCV003244209.1).